The following is an entry in ClinVar:

NM_006904.7(PRKDC):c.9111G>A (p.Gln3037=)

Gene: PRKDC (protein kinase, DNA-activated, catalytic subunit; minus strand). Cytogenetic location: 8q11.21.
Variant type: single nucleotide variant.
Coding change: c.9111G>A on transcript NM_006904.7 (MANE Select); coding-DNA position 9111, G replaced by A.
Protein change: p.Gln3037=; no amino-acid change (glutamine 3037 retained).
Molecular consequence: synonymous variant.
Genome position (GRCh38, 1-based): chr8:47,821,604, C>T on the plus strand (G>A on the coding strand, the complement: PRKDC is on the minus strand). VCF-style: chr8-47821604-C-T. GRCh37 (hg19) VCF-style: chr8-48734165-C-T.
Other names: c.9111G>A, p.Gln3037= (NM_001081640.2).
Identifiers: ClinVar variation 2121911 (VCV002121911.3), dbSNP rs1280312285, ClinGen allele CA460601387.
Genomic context (GRCh38, chr8:47,821,604, plus strand): 5'-TTAAGTAGAAAACACCTATCTAAAATAATTATTTCAATCACTTAAAATAATTTTACCCAC[C>T]TGATAAAATGGTTCACTCCAGATTTTATTTAGGTCTGGGGGGTTCTCACTGTCTATACTG-3'
Protein context (NP_008835.5, residues 3027-3047): LNKIWSEPFY[Gln3037=]ETYLPYMIRS

ClinVar aggregate classification (germline): Uncertain significance (1 of 4 stars; one submission).

Conditions:
Severe combined immunodeficiency due to DNA-PKcs deficiency. Also called: IMMUNODEFICIENCY 26 WITH NEUROLOGIC ABNORMALITIES; Immunodeficiency 26 with or without neurologic abnormalities. Identifiers: Orphanet 317425, MedGen C4014833, MONDO:0014423, OMIM 615966.

gnomAD v4.1: 6 of 1,589,038 alleles (0.00038%); highest among the groups gnomAD compares: Non-Finnish European, 0.00051%; no homozygotes.

Submission:

Labcorp Genetics (formerly Invitae), Labcorp
Classification: Uncertain significance for Severe combined immunodeficiency due to DNA-PKcs deficiency. Last evaluated: 2023-12-07. Review status: criteria provided, single submitter. Criteria: Invitae Variant Classification Sherloc (09022015). Collection method: clinical testing. Allele origin: germline.
Comment: This sequence change affects codon 3037 of the PRKDC mRNA. It is a 'silent' change, meaning that it does not change the encoded amino acid sequence of the PRKDC protein. It affects a nucleotide within the consensus splice site. This variant is not present in population databases (gnomAD no frequency). This variant has not been reported in the literature in individuals affected with PRKDC-related conditions. ClinVar contains an entry for this variant (Variation ID: 2121911). Algorithms developed to predict the effect of sequence changes on RNA splicing suggest that this variant is not likely to affect RNA splicing. In summary, the available evidence is currently insufficient to determine the role of this variant in disease. Therefore, it has been classified as a Variant of Uncertain Significance.